The following is an entry in ClinVar:

NM_006445.4(PRPF8):c.4780T>C (p.Cys1594Arg)

Gene: PRPF8 (pre-mRNA processing factor 8; minus strand). Cytogenetic location: 17p13.3.
Variant type: single nucleotide variant.
Coding change: c.4780T>C on transcript NM_006445.4 (MANE Select); coding-DNA position 4780, T replaced by C.
Protein change: p.Cys1594Arg; replaces cysteine 1594 with arginine.
Molecular consequence: missense variant.
Genome position (GRCh38, 1-based): chr17:1,660,437, A>G on the plus strand (T>C on the coding strand, the complement: PRPF8 is on the minus strand). VCF-style: chr17-1660437-A-G. GRCh37 (hg19) VCF-style: chr17-1563731-A-G.
Other names: short protein forms C1594R.
Identifiers: ClinVar variation 998680 (VCV000998680.5), dbSNP rs1911623254, ClinGen allele CA397575074.

ClinVar aggregate classification (germline): Uncertain significance (1 of 4 stars; one submission).

Allele frequency attached by ClinVar (database versions not stated): gnomAD exomes below 0.00001.
gnomAD v4.1: 1 of 1,614,060 alleles (0.000062%); highest among the groups gnomAD compares: Non-Finnish European, 0.000085%; no homozygotes.

Submission:

Labcorp Genetics (formerly Invitae), Labcorp
Classification: Uncertain significance. Last evaluated: 2021-05-21. Review status: criteria provided, single submitter. Criteria: Invitae Variant Classification Sherloc (09022015). Collection method: clinical testing. Allele origin: germline.
Comment: This sequence change replaces cysteine with arginine at codon 1594 of the PRPF8 protein (p.Cys1594Arg). The cysteine residue is highly conserved and there is a large physicochemical difference between cysteine and arginine. In summary, the available evidence is currently insufficient to determine the role of this variant in disease. Therefore, it has been classified as a Variant of Uncertain Significance. Algorithms developed to predict the effect of missense changes on protein structure and function are either unavailable or do not agree on the potential impact of this missense change (SIFT: "Deleterious"; PolyPhen-2: "Possibly Damaging"; Align-GVGD: "Class C0"). This variant has not been reported in the literature in individuals with PRPF8-related conditions. This variant is not present in population databases (ExAC no frequency).